The following is an entry in ClinVar:

NM_000064.4(C3):c.3155-3C>T

Gene: C3 (complement C3; minus strand). Cytogenetic location: 19p13.3.
Variant type: single nucleotide variant.
Coding change: c.3155-3C>T on transcript NM_000064.4 (MANE Select); 3 bases into the intron before coding-DNA position 3155, C replaced by T.
Molecular consequence: intron variant.
Genome position (GRCh38, 1-based): chr19:6,693,490, G>A on the plus strand (C>T on the coding strand, the complement: C3 is on the minus strand). VCF-style: chr19-6693490-G-A. GRCh37 (hg19) VCF-style: chr19-6693501-G-A.
Identifiers: ClinVar variation 4769361 (VCV004769361.1).

ClinVar aggregate classification (germline): Uncertain significance (1 of 4 stars; one submission).

gnomAD v4.1: 4 of 1,611,142 alleles (0.00025%); highest among the groups gnomAD compares: East Asian, 0.0045%; no homozygotes.

Submission:

Labcorp Genetics (formerly Invitae), Labcorp
Classification: Uncertain significance. Last evaluated: 2026-01-04. Review status: criteria provided, single submitter. Criteria: Invitae Variant Classification Sherloc (09022015). Collection method: clinical testing. Allele origin: germline.
Comment: This sequence change falls in intron 24 of the C3 gene. It does not directly change the encoded amino acid sequence of the C3 protein. It affects a nucleotide within the consensus splice site. The frequency data for this variant in the population databases is considered unreliable, as metrics indicate poor data quality at this position in the gnomAD database. This variant has not been reported in the literature in individuals affected with C3-related conditions. Variants that disrupt the consensus splice site are a relatively common cause of aberrant splicing (PMID: 17576681, 9536098). Algorithms developed to predict the effect of sequence changes on RNA splicing suggest that this variant is not likely to affect RNA splicing. In summary, the available evidence is currently insufficient to determine the role of this variant in disease. Therefore, it has been classified as a Variant of Uncertain Significance.

Literature cited by the submitters: PubMed 17576681; PubMed 9536098.